The following is an entry in ClinVar:

NM_002361.4(MAG):c.809T>C (p.Leu270Pro)

Gene: MAG (myelin associated glycoprotein; plus strand). Cytogenetic location: 19q13.12.
Variant type: single nucleotide variant.
Coding change: c.809T>C on transcript NM_002361.4 (MANE Select); coding-DNA position 809, T replaced by C.
Protein change: p.Leu270Pro; replaces leucine 270 with proline.
Molecular consequence: missense variant.
Genome position (GRCh38, 1-based): chr19:35,300,243, T>C. VCF-style: chr19-35300243-T-C. GRCh37 (hg19) VCF-style: chr19-35791146-T-C.
Other names: c.734T>C, p.Leu245Pro (NM_001199216.2); c.809T>C, p.Leu270Pro (NM_080600.3); short protein forms L245P, L270P.
Identifiers: ClinVar variation 3256730 (VCV003256730.1).
Genomic context (GRCh38, chr19:35,300,243, plus strand): 5'-AGGCCATCGAGGGCTCCCACGTGAGCCTGCTCTGTGGGGCTGACAGCAACCCCCCGCCGC[T>C]GCTGACCTGGATGCGGGACGGGACAGTCCTCCGGGAGGCGGTGGCCGAGAGCCTGCTCCT-3'
Protein context (NP_002352.1, residues 260-280): LCGADSNPPP[Leu270Pro]LTWMRDGTVL

ClinVar aggregate classification (germline): Likely pathogenic (0 of 4 stars; one submission).

Conditions:
Hereditary spastic paraplegia 75. Also called: Spastic paraplegia 75, autosomal recessive. Identifiers: Orphanet 459056, MedGen C4225250, MONDO:0014729, OMIM 616680.

gnomAD v4.1: 1 of 1,591,568 alleles (0.000063%); highest among the groups gnomAD compares: Non-Finnish European, 0.000085%; no homozygotes.

Submission:

Solve-RD Consortium
Classification: Likely pathogenic for Hereditary spastic paraplegia 75. Last evaluated: 2022-06-01. Review status: no assertion criteria provided. Collection method: provider interpretation. Allele origin: inherited. Affected: yes.
Comment: Variant confirmed as disease-causing by referring clinical team

Variant identified during reanalysis of unsolved cases by the Solve-RD project. The Solve-RD project has received funding from the European Union’s Horizon 2020 research and innovation programme under grant agreement No 779257.

Literature cited by the submitters: PubMed 39825153.